The following is an entry in ClinVar:

NM_000083.3(CLCN1):c.965G>A (p.Trp322Ter)

Gene: CLCN1 (chloride voltage-gated channel 1; plus strand). Cytogenetic location: 7q34.
Variant type: single nucleotide variant.
Coding change: c.965G>A on transcript NM_000083.3 (MANE Select); coding-DNA position 965, G replaced by A.
Protein change: p.Trp322Ter; replaces tryptophan 322 with a stop codon.
Molecular consequence: nonsense. On other transcripts: non-coding transcript variant (1).
Genome position (GRCh38, 1-based): chr7:143,330,883, G>A. VCF-style: chr7-143330883-G-A. GRCh37 (hg19) VCF-style: chr7-143027976-G-A.
Other names: short protein forms W322*.
Identifiers: ClinVar variation 3354496 (VCV003354496.1).

ClinVar aggregate classification (germline): Likely pathogenic (0 of 4 stars; one submission).

Conditions:
CLCN1-related disorder. Also called: CLCN1-related condition.

Submission:

PreventionGenetics, part of Exact Sciences
Classification: Likely pathogenic for CLCN1-related condition. Last evaluated: 2024-07-12. Review status: no assertion criteria provided. Collection method: clinical testing. Allele origin: germline.
Comment: The CLCN1 c.965G>A variant is predicted to result in premature protein termination (p.Trp322*). To our knowledge, this variant has not been reported in the literature or in a large population database, indicating this variant is rare. An alternate nucleotide variant (c.966G>A) that is predicted to result in this same premature protein termination (p.Trp322*) has been reported in the homozygous state in an individual with myotonia (Brenes et al. 2021. PubMed ID: 33670307). Nonsense variants in CLCN1 are expected to be pathogenic. This variant is interpreted as likely pathogenic.